The following is an entry in ClinVar:

NM_152384.3(BBS5):c.60-3T>C

Gene: BBS5 (Bardet-Biedl syndrome 5; plus strand). Cytogenetic location: 2q31.1.
Variant type: single nucleotide variant.
Coding change: c.60-3T>C on transcript NM_152384.3 (MANE Select); 3 bases into the intron before coding-DNA position 60, T replaced by C.
Molecular consequence: intron variant.
Genome position (GRCh38, 1-based): chr2:169,482,248, T>C. VCF-style: chr2-169482248-T-C. GRCh37 (hg19) VCF-style: chr2-170338758-T-C.
Identifiers: ClinVar variation 695794 (VCV000695794.18), dbSNP rs201553380, ClinGen allele CA1956098.

ClinVar aggregate classification (germline): Likely benign. Review status: criteria provided, multiple submitters, no conflicts (2 of 4 stars). 6 submissions from 6 submitters: Likely benign (3). 3 of the submissions do not count toward it. Last evaluated 2026-01-20.

Conditions:
BBS5-related disorder. Also called: BBS5-related condition.
Bardet-Biedl syndrome (BBS). Identifiers: Orphanet 110, MedGen C0752166, MONDO:0015229.
Bardet-Biedl syndrome 5 (BBS5). Identifiers: Orphanet 110, MedGen C3892039, MONDO:0014434, OMIM 615983.

Allele frequency attached by ClinVar (database versions not stated): ESP Exome Variant Server 0.00008; gnomAD 0.00008 and 0.00017; TOPMed 0.00014; 1000 Genomes Project 0.00100; 1000 Genomes Project 30x 0.00156.
gnomAD v4.1: 378 of 1,596,118 alleles (0.024%); highest among the groups gnomAD compares: South Asian, 0.3%; 5 homozygotes.

Submissions (6):

Labcorp Genetics (formerly Invitae), Labcorp
Classification: Likely benign for Bardet-Biedl syndrome. Last evaluated: 2026-01-20. Review status: criteria provided, single submitter. Criteria: Invitae Variant Classification Sherloc (09022015). Collection method: clinical testing. Allele origin: germline.

Blueprint Genetics
Classification: Likely benign. Last evaluated: 2024-09-24. Review status: criteria provided, single submitter. Criteria: ACMG Guidelines, 2015. Collection method: clinical testing. Allele origin: germline.

Fulgent Genetics
Classification: Likely benign for Bardet-Biedl syndrome 5. Last evaluated: 2021-07-30. Review status: criteria provided, single submitter. Criteria: ACMG Guidelines, 2015. Collection method: clinical testing. Allele origin: unknown.

PreventionGenetics, part of Exact Sciences
Classification: Likely benign for BBS5-related condition. Last evaluated: 2019-07-22. Review status: no assertion criteria provided. Collection method: clinical testing. Allele origin: germline. Not counted in ClinVar's aggregate classification.
Comment: This variant is classified as likely benign based on ACMG/AMP sequence variant interpretation guidelines (Richards et al. 2015 PMID: 25741868, with internal and published modifications).

Clinical Genetics DNA and cytogenetics Diagnostics Lab, Erasmus MC, Erasmus Medical Center
Classification: Likely benign. Review status: no assertion criteria provided. Collection method: clinical testing. Allele origin: germline. Affected: yes. Study: VKGL Data-share Consensus. Not counted in ClinVar's aggregate classification.

Clinical Genetics, Academic Medical Center
Classification: Likely benign. Review status: no assertion criteria provided. Collection method: clinical testing. Allele origin: germline. Affected: yes. Study: VKGL Data-share Consensus. Not counted in ClinVar's aggregate classification.